The following is an entry in ClinVar:

NM_004329.3(BMPR1A):c.1168G>A (p.Asp390Asn)

Gene: BMPR1A (bone morphogenetic protein receptor type 1A; plus strand). Cytogenetic location: 10q23.2.
Variant type: single nucleotide variant.
Coding change: c.1168G>A on transcript NM_004329.3 (MANE Select); coding-DNA position 1168, G replaced by A.
Protein change: p.Asp390Asn; replaces aspartic acid 390 with asparagine.
Molecular consequence: missense variant.
Genome position (GRCh38, 1-based): chr10:86,921,521, G>A. VCF-style: chr10-86921521-G-A. GRCh37 (hg19) VCF-style: chr10-88681278-G-A.
Other names: short protein forms D390N.
Identifiers: ClinVar variation 420976 (VCV000420976.3), dbSNP rs1064794827, ClinGen allele CA16619008.

ClinVar aggregate classification (germline): Uncertain significance. Review status: criteria provided, multiple submitters, no conflicts (2 of 4 stars). 2 submissions from 2 submitters: Uncertain significance (2). Last evaluated 2024-04-13.

Conditions:
Hereditary cancer-predisposing syndrome. Also called: Hereditary neoplastic syndrome; Tumor predisposition; Neoplastic Syndromes, Hereditary; Hereditary Cancer Syndrome. Identifiers: Orphanet 140162, MedGen C0027672, MeSH D009386, MONDO:0015356.

gnomAD v4.1: 1 of 1,613,866 alleles (0.000062%); no homozygotes.

Submissions (2):

Ambry Genetics
Classification: Uncertain significance for Hereditary cancer-predisposing syndrome. Last evaluated: 2024-04-13. Review status: criteria provided, single submitter. Criteria: Ambry Variant Classification Scheme 2023. Collection method: clinical testing. Allele origin: germline.
Comment: The p.D390N variant (also known as c.1168G>A), located in coding exon 9 of the BMPR1A gene, results from a G to A substitution at nucleotide position 1168. The aspartic acid at codon 390 is replaced by asparagine, an amino acid with highly similar properties. This amino acid position is conserved. In addition, this alteration is predicted to be tolerated by in silico analysis. Based on the available evidence, the clinical significance of this variant remains unclear.

GeneDx
Classification: Uncertain significance. Last evaluated: 2016-04-19. Review status: criteria provided, single submitter. Criteria: GeneDx Variant Classification (06012015). Collection method: clinical testing. Allele origin: germline. Affected: yes.
Comment: This variant is denoted BMPR1A c.1168G>A at the cDNA level, p.Asp390Asn (D390N) at the protein level, and results in the change of an Aspartic Acid to an Asparagine (GAC>AAC). This variant has not, to our knowledge, been published in the literature as pathogenic or benign. BMPR1A Asp390Asn was not observed in approximately 6,500 individuals of European and African American ancestry in the NHLBI Exome Sequencing Project, suggesting it is not a common benign variant in these populations. Since Aspartic Acid and Asparagine differ in some properties, this is considered a semi-conservative amino acid substitution. BMPR1A Asp390Asn occurs at a position that is conserved across species and is located in the protein kinase domain (Howe 2004, Uniprot). In silico analyses are inconsistent regarding the effect this variant may have on protein structure and function. Based on currently available evidence, it is unclear whether BMPR1A Asp390Asn is a pathogenic or benign variant. We consider it to be a variant of uncertain significance.